The following is an entry in ClinVar:

NM_007194.4(CHEK2):c.683+6T>G

Gene: CHEK2 (checkpoint kinase 2; minus strand). Cytogenetic location: 22q12.1.
Variant type: single nucleotide variant.
Coding change: c.683+6T>G on transcript NM_007194.4 (MANE Select); 6 bases into the intron after coding-DNA position 683, T replaced by G.
Molecular consequence: intron variant.
Genome position (GRCh38, 1-based): chr22:28,719,389, A>C on the plus strand (T>G on the coding strand, the complement: CHEK2 is on the minus strand). VCF-style: chr22-28719389-A-C. GRCh37 (hg19) VCF-style: chr22-29115377-A-C.
Other names: c.20+6T>G (NM_001437942.1, NM_001257387.3); c.482+5497T>G (NM_001349956.3); c.683+6T>G (NM_145862.3); c.776+6T>G (NM_001438295.1, NM_001438293.1); c.812+6T>G (NM_001438294.1, NM_001005735.3).
Identifiers: ClinVar variation 1995410 (VCV001995410.4), dbSNP rs757664495, ClinGen allele CA10167922.

ClinVar aggregate classification (germline): Uncertain significance (1 of 4 stars; one submission).

Conditions:
Familial cancer of breast. Also called: hereditary breast carcinoma; Hereditary breast cancer; BREAST CANCER, FAMILIAL. Identifiers: Orphanet 227535, MedGen C0346153, MONDO:0016419, OMIM 114480. Disease mechanism: loss of function.

Allele frequency attached by ClinVar (database versions not stated): gnomAD 0.00001; TOPMed 0.00001; ExAC 0.00003.
gnomAD v4.1: 1 of 1,523,338 alleles (0.000066%); highest among the groups gnomAD compares: African/African-American, 0.0014%; no homozygotes.

Submission:

Labcorp Genetics (formerly Invitae), Labcorp
Classification: Uncertain significance for Familial cancer of breast. Last evaluated: 2022-05-17. Review status: criteria provided, single submitter. Criteria: Invitae Variant Classification Sherloc (09022015). Collection method: clinical testing. Allele origin: germline.
Comment: This variant is present in population databases (rs757664495, gnomAD 0.008%). This sequence change falls in intron 5 of the CHEK2 gene. It does not directly change the encoded amino acid sequence of the CHEK2 protein. It affects a nucleotide within the consensus splice site. This variant has not been reported in the literature in individuals affected with CHEK2-related conditions. Variants that disrupt the consensus splice site are a relatively common cause of aberrant splicing (PMID: 17576681, 9536098). Algorithms developed to predict the effect of sequence changes on RNA splicing suggest that this variant is not likely to affect RNA splicing. In summary, the available evidence is currently insufficient to determine the role of this variant in disease. Therefore, it has been classified as a Variant of Uncertain Significance.

Literature cited by the submitters: PubMed 17576681; PubMed 9536098.